The following is an entry in ClinVar:

NM_001199107.2(TBC1D24):c.866C>T (p.Ala289Val)

Gene: TBC1D24 (TBC1 domain family member 24; plus strand). Cytogenetic location: 16p13.3.
Variant type: single nucleotide variant.
Coding change: c.866C>T on transcript NM_001199107.2 (MANE Select); coding-DNA position 866, C replaced by T.
Protein change: p.Ala289Val; replaces alanine 289 with valine.
Molecular consequence: missense variant.
Genome position (GRCh38, 1-based): chr16:2,497,014, C>T. VCF-style: chr16-2497014-C-T. GRCh37 (hg19) VCF-style: chr16-2547015-C-T.
Other names: c.866C>T, p.Ala289Val (NM_020705.3); short protein forms A289V.
Identifiers: ClinVar variation 436948 (VCV000436948.13), dbSNP rs748759187, ClinGen allele CA394377660.

ClinVar aggregate classification (germline): Likely pathogenic. Review status: criteria provided, multiple submitters, no conflicts (2 of 4 stars). 3 submissions from 3 submitters: Likely pathogenic (2). 1 of the submissions does not count toward it. Last evaluated 2024-02-05.

Conditions:
Developmental and epileptic encephalopathy, 1 (DEE1). Also called: X-linked infantile spasms; West's syndrome; Tonic spasms with clustering, arrest of psychomotor development and hypsarrhythmia on EEG; X-Linked Infantile Spasm Syndrome; OHTAHARA SYNDROME, X-LINKED; Epileptic encephalopathy, early infantile, 1. Identifiers: MedGen C3463992, MONDO:0010632, OMIM 308350. Disease mechanism: loss of function.
Autosomal dominant nonsyndromic hearing loss 65. Also called: Deafness, autosomal dominant 65; TBC1D24-Related Autosomal Dominant Nonsyndromic Hearing Loss (DFNA). Identifiers: Orphanet 90635, MedGen C3892048, MONDO:0014470, OMIM 616044.
Familial infantile myoclonic epilepsy (FIME). Also called: TBC1D24-Related Familial Infantile Myoclonic Epilepsy (FIME); Epilepsy, Myoclonic, Infantile. Identifiers: Orphanet 352582, MedGen C0917800, MONDO:0011506, OMIM 605021.
Developmental and epileptic encephalopathy, 16 (DEE16). Also called: TBC1D24-Related Developmental and Epileptic Encephalopathy (DEE); Early infantile epileptic encephalopathy 16. Identifiers: Orphanet 293181, Orphanet 352596, MedGen C3809173, MONDO:0014133, OMIM 615338.

Allele frequency attached by ClinVar (database versions not stated): gnomAD 0.00001; TOPMed below 0.00001.
gnomAD v4.1: 15 of 1,613,696 alleles (0.00093%); highest among the groups gnomAD compares: East Asian, 0.0022%; no homozygotes.

Submissions (3):

Labcorp Genetics (formerly Invitae), Labcorp
Classification: Likely pathogenic for Developmental and epileptic encephalopathy, 1; Autosomal dominant nonsyndromic hearing loss 65. Last evaluated: 2024-02-05. Review status: criteria provided, single submitter. Criteria: Invitae Variant Classification Sherloc (09022015). Collection method: clinical testing. Allele origin: germline.
Comment: This sequence change replaces alanine, which is neutral and non-polar, with valine, which is neutral and non-polar, at codon 289 of the TBC1D24 protein (p.Ala289Val). This variant is not present in population databases (gnomAD no frequency). This missense change has been observed in individual(s) with autosomal recessive TBD1D24-related conditions (PMID: 31112829). In at least one individual the data is consistent with being in trans (on the opposite chromosome) from a pathogenic variant. ClinVar contains an entry for this variant (Variation ID: 436948). Advanced modeling of protein sequence and biophysical properties (such as structural, functional, and spatial information, amino acid conservation, physicochemical variation, residue mobility, and thermodynamic stability) performed at Invitae indicates that this missense variant is expected to disrupt TBC1D24 protein function with a positive predictive value of 80%. In summary, the currently available evidence indicates that the variant is pathogenic, but additional data are needed to prove that conclusively. Therefore, this variant has been classified as Likely Pathogenic.

Genetic Services Laboratory, University of Chicago
Classification: Likely pathogenic for Myoclonic epilepsy, infantile, familial. Last evaluated: 2015-12-10. Review status: criteria provided, single submitter. Criteria: ACMG Guidelines, 2015. Collection method: clinical testing. Allele origin: germline. Affected: yes.

Center for Molecular Medicine, Children’s Hospital of Fudan University
Classification: Likely pathogenic for Developmental and epileptic encephalopathy, 16. Last evaluated: 2022-02-08. Review status: no assertion criteria provided. Collection method: clinical testing. Allele origin: maternal. Affected: yes. Not counted in ClinVar's aggregate classification.

Literature cited by the submitters: PubMed 31112829 (cited by Labcorp Genetics (formerly Invitae), Labcorp); PubMed 27784474 (cited by Center for Molecular Medicine, Children’s Hospital of Fudan University).